The following is an entry in ClinVar:

ClinVar aggregate classification (germline): Uncertain significance (1 of 4 stars; one submission).

Conditions:
Marfan syndrome (MFS). Also called: MARFAN SYNDROME, TYPE I; Marfan syndrome type 1; Marfan's syndrome; Marfan syndrome, classic; FBN1-Related Marfan Syndrome. Identifiers: Orphanet 284963, Orphanet 558, MedGen C0024796, MONDO:0007947, OMIM 154700.

Submission:

All of Us Research Program, National Institutes of Health
Classification: Uncertain significance for Marfan syndrome. Last evaluated: 2023-04-03. Review status: criteria provided, single submitter. Criteria: ACMG Guidelines, 2015. Collection method: clinical testing. Allele origin: germline. Inheritance: Autosomal dominant inheritance. Observed: 1 variant allele, 1 heterozygote.
Comment: This missense variant replaces aspartic acid with valine at codon 246 of the FBN1 protein. Computational prediction suggests that this variant may have deleterious impact on protein structure and function (internally defined REVEL score threshold >= 0.7, PMID: 27666373). To our knowledge, functional studies have not been reported for this variant. This variant has not been reported in individuals affected with FBN1-related disorders in the literature. This variant has not been identified in the general population by the Genome Aggregation Database (gnomAD). The available evidence is insufficient to determine the role of this variant in disease conclusively. Therefore, this variant is classified as a Variant of Uncertain Significance.

This study involves interpretation of variants in research participants for the purpose of population health screening. Participant phenotype was not available at the time of variant classification. Additional details can be found in publication PMID: 35346344, PMCID: PMC8962531

NM_000138.5(FBN1):c.737A>T (p.Asp246Val)

Gene: FBN1 (fibrillin 1; minus strand). Cytogenetic location: 15q21.1.
Variant type: single nucleotide variant.
Coding change: c.737A>T on transcript NM_000138.5 (MANE Select); coding-DNA position 737, A replaced by T.
Protein change: p.Asp246Val; replaces aspartic acid 246 with valine.
Molecular consequence: missense variant.
Genome position (GRCh38, 1-based): chr15:48,534,205, T>A on the plus strand (A>T on the coding strand, the complement: FBN1 is on the minus strand). VCF-style: chr15-48534205-T-A. GRCh37 (hg19) VCF-style: chr15-48826402-T-A.
Other names: c.737A>T, p.Asp246Val (NM_001406716.1, NM_001406717.1); short protein forms D246V.
Identifiers: ClinVar variation 3070208 (VCV003070208.1), dbSNP rs2505655665, ClinGen allele CA392352900.